The following is an entry in ClinVar:

ClinVar aggregate classification (germline): Uncertain significance. Review status: criteria provided, multiple submitters, no conflicts (2 of 4 stars). 2 submissions from 2 submitters: Uncertain significance (2). Last evaluated 2025-12-11.

Conditions:
Inborn genetic diseases. Identifiers: MedGen C0950123, MeSH D030342.

Allele frequency attached by ClinVar (database versions not stated): gnomAD 0.00001; gnomAD exomes 0.00001 and 0.00003; TOPMed 0.00001; ESP Exome Variant Server 0.00008; ExAC 0.00001.
gnomAD v4.1: 42 of 1,612,956 alleles (0.0026%); highest among the groups gnomAD compares: East Asian, 0.0045%; no homozygotes.

Submissions (2):

Ambry Genetics
Classification: Uncertain significance for Inborn genetic diseases. Last evaluated: 2025-12-11. Review status: criteria provided, single submitter. Criteria: Ambry Variant Classification Scheme 2023. Collection method: clinical testing. Allele origin: germline.

Labcorp Genetics (formerly Invitae), Labcorp
Classification: Uncertain significance. Last evaluated: 2021-08-26. Review status: criteria provided, single submitter. Criteria: Invitae Variant Classification Sherloc (09022015). Collection method: clinical testing. Allele origin: germline.
Comment: This sequence change replaces alanine with threonine at codon 597 of the GPAA1 protein (p.Ala597Thr). The alanine residue is moderately conserved and there is a small physicochemical difference between alanine and threonine. This variant is present in population databases (rs369331503, ExAC 0.002%). This variant has not been reported in the literature in individuals affected with GPAA1-related conditions. Algorithms developed to predict the effect of missense changes on protein structure and function (SIFT, PolyPhen-2, Align-GVGD) all suggest that this variant is likely to be tolerated. In summary, the available evidence is currently insufficient to determine the role of this variant in disease. Therefore, it has been classified as a Variant of Uncertain Significance.

NM_003801.4(GPAA1):c.1789G>A (p.Ala597Thr)

Gene: GPAA1 (glycosylphosphatidylinositol anchor attachment 1; plus strand). Cytogenetic location: 8q24.3.
Variant type: single nucleotide variant.
Coding change: c.1789G>A on transcript NM_003801.4 (MANE Select); coding-DNA position 1789, G replaced by A.
Protein change: p.Ala597Thr; replaces alanine 597 with threonine.
Molecular consequence: missense variant.
Genome position (GRCh38, 1-based): chr8:144,086,048, G>A. VCF-style: chr8-144086048-G-A. GRCh37 (hg19) VCF-style: chr8-145140951-G-A.
Other names: c.1789G>A (NM_003801.3); short protein forms A597T.
Identifiers: ClinVar variation 1493283 (VCV001493283.6), dbSNP rs369331503, ClinGen allele CA4933257.
Genomic context (GRCh38, chr8:144,086,048, plus strand): 5'-GGCTGGCAGCTCTTCCTGGCAGCGCTAGCCCAGGGTGTGCTGGAGCACCACACCTACGGC[G>A]CCCTGCTCTTCCCACTGCTGTCCCTGGGCCTCTACCCCTGCTGGCTGCTTTTCTGGAATG-3'
Protein context (NP_003792.1, residues 587-607): QGVLEHHTYG[Ala597Thr]LLFPLLSLGL